The following is an entry in ClinVar:

NM_001128159.3(VPS53):c.168+272T>G

Gene: VPS53 (VPS53 subunit of GARP complex; minus strand). Cytogenetic location: 17p13.3.
Variant type: single nucleotide variant.
Coding change: c.168+272T>G on transcript NM_001128159.3 (MANE Select); 272 bases into the intron after coding-DNA position 168, T replaced by G.
Molecular consequence: intron variant.
Genome position (GRCh38, 1-based): chr17:710,261, A>C on the plus strand (T>G on the coding strand, the complement: VPS53 is on the minus strand). VCF-style: chr17-710261-A-C. GRCh37 (hg19) VCF-style: chr17-613501-A-C.
Other names: c.168+272T>G (NM_018289.4, NM_001366253.2); c.-525+272T>G (NM_001366254.2).
Identifiers: ClinVar variation 671930 (VCV000671930.1), dbSNP rs10521109, ClinGen allele CA15898759.

ClinVar aggregate classification (germline): Benign (1 of 4 stars; one submission).

Allele frequency attached by ClinVar (database versions not stated): gnomAD 0.14931 and 0.15364; TOPMed 0.15251; 1000 Genomes Project 30x 0.16474; 1000 Genomes Project 0.16653.
gnomAD v4.1: 23,387 of 152,160 alleles (15%); highest among the groups gnomAD compares: South Asian, 23%; 1,936 homozygotes.

Submission:

GeneDx
Classification: Benign. Last evaluated: 2018-06-19. Review status: criteria provided, single submitter. Criteria: GeneDx Variant Classification (06012015). Collection method: clinical testing. Allele origin: germline. Affected: yes.
Comment: This variant is considered likely benign or benign based on one or more of the following criteria: it is a conservative change, it occurs at a poorly conserved position in the protein, it is predicted to be benign by multiple in silico algorithms, and/or has population frequency not consistent with disease.